The following is an entry in ClinVar:

NM_001145026.2(PTPRQ):c.6006G>A (p.Lys2002=)

Gene: PTPRQ (protein tyrosine phosphatase receptor type Q; plus strand). Cytogenetic location: 12q21.31.
Variant type: single nucleotide variant.
Coding change: c.6006G>A on transcript NM_001145026.2 (MANE Select); coding-DNA position 6006, G replaced by A.
Protein change: p.Lys2002=; no amino-acid change (lysine 2002 retained).
Molecular consequence: synonymous variant.
Genome position (GRCh38, 1-based): chr12:80,649,651, G>A. VCF-style: chr12-80649651-G-A. GRCh37 (hg19) VCF-style: chr12-81043430-G-A.
Identifiers: ClinVar variation 3058182 (VCV003058182.1), dbSNP rs2541710262, ClinGen allele CA480986553.

ClinVar aggregate classification (germline): Benign (1 of 4 stars; one submission).

Conditions:
PTPRQ-related disorder. Also called: PTPRQ-related condition.

Submission:

PreventionGenetics, part of Exact Sciences
Classification: Benign for PTPRQ-related condition. Last evaluated: 2020-08-31. Review status: criteria provided, single submitter. Criteria: ACMG Guidelines, 2015. Collection method: clinical testing. Allele origin: germline.
Comment: This variant is classified as benign based on ACMG/AMP sequence variant interpretation guidelines (Richards et al. 2015 PMID: 25741868, with internal and published modifications).